The following is an entry in ClinVar:

ClinVar aggregate classification (germline): Conflicting classifications of pathogenicity. Review status: criteria provided, conflicting classifications (1 of 4 stars). 4 submissions from 4 submitters: Uncertain significance (3); Likely benign (1). Last evaluated 2024-08-04.

Conditions:
Familial thoracic aortic aneurysm and aortic dissection (TAAD). Also called: Thoracic aortic aneurysms and dissections. Identifiers: Orphanet 91387, MedGen C4707243, MONDO:0019625.

Allele frequency attached by ClinVar (database versions not stated): TOPMed below 0.00001; ExAC 0.00001; gnomAD 0.00001; gnomAD exomes 0.00001 and 0.00002.
gnomAD v4.1: 15 of 1,614,068 alleles (0.00093%); highest among the groups gnomAD compares: South Asian, 0.0033%; no homozygotes.

Submissions (4):

Labcorp Genetics (formerly Invitae), Labcorp
Classification: Uncertain significance for Familial thoracic aortic aneurysm and aortic dissection. Last evaluated: 2024-08-04. Review status: criteria provided, single submitter. Criteria: Invitae Variant Classification Sherloc (09022015). Collection method: clinical testing. Allele origin: germline.
Comment: This sequence change replaces glycine, which is neutral and non-polar, with serine, which is neutral and polar, at codon 204 of the TGFBR2 protein (p.Gly204Ser). This variant is present in population databases (rs773431795, gnomAD 0.007%). This variant has not been reported in the literature in individuals affected with TGFBR2-related conditions. ClinVar contains an entry for this variant (Variation ID: 952393). Advanced modeling of protein sequence and biophysical properties (such as structural, functional, and spatial information, amino acid conservation, physicochemical variation, residue mobility, and thermodynamic stability) performed at Invitae indicates that this missense variant is not expected to disrupt TGFBR2 protein function with a negative predictive value of 95%. In summary, the available evidence is currently insufficient to determine the role of this variant in disease. Therefore, it has been classified as a Variant of Uncertain Significance.

Color Diagnostics, LLC DBA Color Health
Classification: Uncertain significance for Familial thoracic aortic aneurysm and aortic dissection. Last evaluated: 2023-11-13. Review status: criteria provided, single submitter. Criteria: ACMG Guidelines, 2015. Collection method: clinical testing. Allele origin: germline.
Comment: This missense variant replaces glycine with serine at codon 204 of the TGFBR2 protein. Computational prediction suggests that this variant may not impact protein structure and function (internally defined REVEL score threshold <= 0.5, PMID: 27666373). To our knowledge, functional studies have not been reported for this variant. This variant has not been reported in individuals affected with TGFBR2-related disorders in the literature. This variant has been identified in 4/251130 chromosomes in the general population by the Genome Aggregation Database (gnomAD). The available evidence is insufficient to determine the role of this variant in disease conclusively. Therefore, this variant is classified as a Variant of Uncertain Significance.

GeneDx
Classification: Uncertain significance. Last evaluated: 2023-06-07. Review status: criteria provided, single submitter. Criteria: GeneDx Variant Classification Process June 2021. Collection method: clinical testing. Allele origin: germline. Affected: yes.
Comment: Not observed at significant frequency in large population cohorts (gnomAD); In silico analysis supports that this missense variant does not alter protein structure/function; Has not been previously published as pathogenic or benign to our knowledge

Ambry Genetics
Classification: Likely benign for Familial thoracic aortic aneurysm and aortic dissection. Last evaluated: 2021-10-16. Review status: criteria provided, single submitter. Criteria: Ambry Variant Classification Scheme 2023. Collection method: clinical testing. Allele origin: germline.

NM_003242.6(TGFBR2):c.610G>A (p.Gly204Ser)

Gene: TGFBR2 (transforming growth factor beta receptor 2; plus strand). Cytogenetic location: 3p24.1.
Variant type: single nucleotide variant.
Coding change: c.610G>A on transcript NM_003242.6 (MANE Select); coding-DNA position 610, G replaced by A.
Protein change: p.Gly204Ser; replaces glycine 204 with serine.
Molecular consequence: missense variant.
Genome position (GRCh38, 1-based): chr3:30,671,793, G>A. VCF-style: chr3-30671793-G-A. GRCh37 (hg19) VCF-style: chr3-30713285-G-A.
Other names: c.685G>A, p.Gly229Ser (NM_001024847.3); c.793G>A, p.Gly265Ser (NM_001407126.1); c.718G>A, p.Gly240Ser (NM_001407127.1); c.637G>A, p.Gly213Ser (NM_001407128.1); c.613G>A, p.Gly205Ser (NM_001407129.1); c.610G>A, p.Gly204Ser (NM_001407130.1); c.505G>A, p.Gly169Ser (NM_001407132.1, NM_001407133.1, NM_001407134.1 and 2 more transcripts); c.325G>A, p.Gly109Ser (NM_001407137.1); and 1 more; short protein forms G229S, G204S, G265S, G169S, G205S, G84S, G213S, G109S.
Identifiers: ClinVar variation 952393 (VCV000952393.12), dbSNP rs773431795, ClinGen allele CA049378.